The following is an entry in ClinVar:

NM_000494.4(COL17A1):c.433C>T (p.Arg145Ter)

Gene: COL17A1 (collagen type XVII alpha 1 chain; minus strand). Cytogenetic location: 10q25.1.
Variant type: single nucleotide variant.
Coding change: c.433C>T on transcript NM_000494.4 (MANE Select); coding-DNA position 433, C replaced by T.
Protein change: p.Arg145Ter; replaces arginine 145 with a stop codon.
Molecular consequence: nonsense.
Genome position (GRCh38, 1-based): chr10:104,072,062, G>A on the plus strand (C>T on the coding strand, the complement: COL17A1 is on the minus strand). VCF-style: chr10-104072062-G-A. GRCh37 (hg19) VCF-style: chr10-105831820-G-A.
Other names: c.433C>T, p.Arg145Ter (LRG_1249t1); short protein forms R145*.
Identifiers: ClinVar variation 17658 (VCV000017658.11), dbSNP rs121912774, ClinGen allele CA258055.

ClinVar aggregate classification (germline): Pathogenic. Review status: criteria provided, single submitter (1 of 4 stars). 2 submissions from 2 submitters: Pathogenic (1). 1 of the submissions does not count toward it. Last evaluated 2024-03-05.

Conditions:
Epidermolysis bullosa, junctional 4, intermediate. Also called: Epidermolysis bullosa, junctional, localisata variant; EPIDERMOLYSIS BULLOSA, JUNCTIONAL 4, NON-HERLITZ TYPE; EPIDERMOLYSIS BULLOSA, GENERALIZED ATROPHIC BENIGN. Identifiers: MedGen C2608084, MONDO:0030750, OMIM 619787.

Allele frequency attached by ClinVar (database versions not stated): gnomAD exomes below 0.00001; TOPMed 0.00001.

Submissions (2):

Labcorp Genetics (formerly Invitae), Labcorp
Classification: Pathogenic. Last evaluated: 2024-03-05. Review status: criteria provided, single submitter. Criteria: Invitae Variant Classification Sherloc (09022015). Collection method: clinical testing. Allele origin: germline.
Comment: This sequence change creates a premature translational stop signal (p.Arg145*) in the COL17A1 gene. It is expected to result in an absent or disrupted protein product. Loss-of-function variants in COL17A1 are known to be pathogenic (PMID: 16473856, 17344927, 20301304, 21357940, 24319098). This variant is present in population databases (rs121912774, gnomAD 0.003%). This premature translational stop signal has been observed in individual(s) with junctional epidermolysis bullosa (PMID: 10951237). ClinVar contains an entry for this variant (Variation ID: 17658). For these reasons, this variant has been classified as Pathogenic.

OMIM
Classification: Pathogenic for EPIDERMOLYSIS BULLOSA, JUNCTIONAL 4, INTERMEDIATE. Last evaluated: 2000-08-01. Review status: no assertion criteria provided. Collection method: literature only. Allele origin: germline. Not counted in ClinVar's aggregate classification.

Literature cited by the submitters: PubMed 16473856 (cited by Labcorp Genetics (formerly Invitae), Labcorp); PubMed 17344927 (cited by Labcorp Genetics (formerly Invitae), Labcorp); PubMed 20301304 (cited by Labcorp Genetics (formerly Invitae), Labcorp); PubMed 21357940 (cited by Labcorp Genetics (formerly Invitae), Labcorp); PubMed 24319098 (cited by Labcorp Genetics (formerly Invitae), Labcorp); PubMed 10951237 (cited by Labcorp Genetics (formerly Invitae), Labcorp and OMIM).